The following is an entry in ClinVar:

ClinVar aggregate classification (germline): Uncertain significance. Review status: criteria provided, multiple submitters, no conflicts (2 of 4 stars). 2 submissions from 2 submitters: Uncertain significance (2). Last evaluated 2025-04-23.

Conditions:
Ehlers-Danlos syndrome, classic type, 1 (EDSCL1). Also called: EHLERS-DANLOS SYNDROME, GRAVIS TYPE; EHLERS-DANLOS SYNDROME, SEVERE CLASSIC TYPE; Ehlers-Danlos syndrome, type 1; Ehlers-Danlos Syndrome, Classic Type, COL5A1-Related; EDS I. Identifiers: MedGen C0268335, MONDO:0019567, OMIM 130000.
Osteogenesis imperfecta type I (OI1). Also called: OI, TYPE I; OSTEOGENESIS IMPERFECTA TARDA; OSTEOGENESIS IMPERFECTA WITH BLUE SCLERAE; Osteogenesis imperfecta type 1; Classic Non-deforming Osteogenesis Imperfecta with Blue Sclerae; Lobstein's Disease. Identifiers: Orphanet 216796, Orphanet 666, MedGen C0023931, MONDO:0008146, OMIM 166200. Disease mechanism: loss of function.

gnomAD v4.1: 1 of 1,612,724 alleles (0.000062%); highest among the groups gnomAD compares: Non-Finnish European, 0.000085%; no homozygotes.

Submissions (2):

Labcorp Genetics (formerly Invitae), Labcorp
Classification: Uncertain significance for Osteogenesis imperfecta type I; Ehlers-Danlos syndrome, classic type, 1. Last evaluated: 2025-04-23. Review status: criteria provided, single submitter. Criteria: Invitae Variant Classification Sherloc (09022015). Collection method: clinical testing. Allele origin: germline.
Comment: This sequence change replaces arginine, which is basic and polar, with lysine, which is basic and polar, at codon 180 of the COL1A2 protein (p.Arg180Lys). This variant is not present in population databases (gnomAD no frequency). This missense change has been observed in individual(s) with joint hypermobility (PMID: 37079061). ClinVar contains an entry for this variant (Variation ID: 2682984). Experimental studies and prediction algorithms are not available or were not evaluated, and the functional significance of this variant is currently unknown. In summary, the available evidence is currently insufficient to determine the role of this variant in disease. Therefore, it has been classified as a Variant of Uncertain Significance.

Mayo Clinic Laboratories, Mayo Clinic
Classification: Uncertain significance. Last evaluated: 2022-03-16. Review status: criteria provided, single submitter. Criteria: ACMG Guidelines, 2015. Collection method: clinical testing. Allele origin: germline. Observed: 1 variant allele.
Comment: PM2_supporting

Literature cited by the submitters: PubMed 37079061 (cited by Labcorp Genetics (formerly Invitae), Labcorp).

NM_000089.4(COL1A2):c.539G>A (p.Arg180Lys)

Gene: COL1A2 (collagen type I alpha 2 chain; plus strand). Cytogenetic location: 7q21.3.
Variant type: single nucleotide variant.
Coding change: c.539G>A on transcript NM_000089.4 (MANE Select); coding-DNA position 539, G replaced by A.
Protein change: p.Arg180Lys; replaces arginine 180 with lysine.
Molecular consequence: missense variant.
Genome position (GRCh38, 1-based): chr7:94,405,725, G>A. VCF-style: chr7-94405725-G-A. GRCh37 (hg19) VCF-style: chr7-94035037-G-A.
Other names: p.Arg180Lys; short protein forms R180K.
Identifiers: ClinVar variation 2682984 (VCV002682984.2), dbSNP rs2484701565, ClinGen allele CA368219986.